The following is an entry in ClinVar:

ClinVar aggregate classification (germline): Uncertain significance (1 of 4 stars; one submission).

Submission:

Labcorp Genetics (formerly Invitae), Labcorp
Classification: Uncertain significance. Last evaluated: 2024-09-18. Review status: criteria provided, single submitter. Criteria: Invitae Variant Classification Sherloc (09022015). Collection method: clinical testing. Allele origin: germline.
Comment: This sequence change replaces leucine, which is neutral and non-polar, with valine, which is neutral and non-polar, at codon 318 of the GNB1 protein (p.Leu318Val). This variant is not present in population databases (gnomAD no frequency). This variant has not been reported in the literature in individuals affected with GNB1-related conditions. Invitae Evidence Modeling of protein sequence and biophysical properties (such as structural, functional, and spatial information, amino acid conservation, physicochemical variation, residue mobility, and thermodynamic stability) indicates that this missense variant is not expected to disrupt GNB1 protein function with a negative predictive value of 80%. In summary, the available evidence is currently insufficient to determine the role of this variant in disease. Therefore, it has been classified as a Variant of Uncertain Significance.

NM_002074.5(GNB1):c.952C>G (p.Leu318Val)

Gene: GNB1 (G protein subunit beta 1; minus strand). Cytogenetic location: 1p36.33.
Variant type: single nucleotide variant.
Coding change: c.952C>G on transcript NM_002074.5 (MANE Select); coding-DNA position 952, C replaced by G.
Protein change: p.Leu318Val; replaces leucine 318 with valine.
Molecular consequence: missense variant.
Genome position (GRCh38, 1-based): chr1:1,787,402, G>C on the plus strand (C>G on the coding strand, the complement: GNB1 is on the minus strand). VCF-style: chr1-1787402-G-C. GRCh37 (hg19) VCF-style: chr1-1718841-G-C.
Other names: c.652C>G, p.Leu218Val (NM_001282538.2); c.952C>G, p.Leu318Val (NM_001282539.2); short protein forms L318V, L218V.
Identifiers: ClinVar variation 3667194 (VCV003667194.2).